The following is an entry in ClinVar:

ClinVar aggregate classification (germline): Uncertain significance (1 of 4 stars; one submission).

gnomAD v4.1: 2 of 1,614,060 alleles (0.00012%); highest among the groups gnomAD compares: South Asian, 0.0022%; no homozygotes.

Submission:

Ambry Genetics
Classification: Uncertain significance. Last evaluated: 2026-07-30. Review status: criteria provided, single submitter. Criteria: Ambry Variant Classification Scheme 2023. Collection method: clinical testing. Allele origin: germline.
Comment: The c.1834C>T variant (also known as p.L612L), located in coding exon 10 of the PALLD gene, results from a C to T substitution at nucleotide position 1834. This nucleotide substitution does not change the leucine at codon 612. This nucleotide position is well conserved in available vertebrate species. In silico splice site analysis for this alteration is inconclusive. The evidence for this gene-disease relationship is limited; therefore, the clinical significance of this variant is unclear.

NM_001166108.2(PALLD):c.3346C>T (p.Leu1116=)

Genes: CBR4 (carbonyl reductase 4; minus strand), PALLD (palladin, cytoskeletal associated protein; plus strand). Cytogenetic location: 4q32.3.
Variant type: single nucleotide variant.
Coding change: c.3346C>T on transcript NM_001166108.2 (MANE Select); coding-DNA position 3346, C replaced by T.
Protein change: p.Leu1116=; no amino-acid change (leucine 1116 retained).
Molecular consequence: synonymous variant.
Genome position (GRCh38, 1-based): chr4:168,925,066, C>T. VCF-style: chr4-168925066-C-T. GRCh37 (hg19) VCF-style: chr4-169846217-C-T.
Other names: c.1174C>T, p.Leu392= (NM_001367567.1, NM_001367569.1); c.1225C>T, p.Leu409= (NM_001367568.1, NM_001367570.1); c.3295C>T, p.Leu1099= (NM_016081.4); c.2149C>T, p.Leu717= (NM_001166109.2); c.1834C>T, p.Leu612= (NM_001166110.2).
Identifiers: ClinVar variation 5026206 (VCV005026206.1).